The following is an entry in ClinVar:

NM_000551.4(VHL):c.341-7C>G

Genes: VHL (von Hippel-Lindau tumor suppressor; plus strand), LOC107303340 (3p25 von Hippel-Lindau tumor suppressor, E3 ubiquitin protein ligase Alu-mediated recombination region; plus strand). Cytogenetic location: 3p25.3.
Variant type: single nucleotide variant.
Coding change: c.341-7C>G on transcript NM_000551.4 (MANE Select); 7 bases into the intron before coding-DNA position 341, C replaced by G.
Molecular consequence: intron variant.
Genome position (GRCh38, 1-based): chr3:10,146,507, C>G. VCF-style: chr3-10146507-C-G. GRCh37 (hg19) VCF-style: chr3-10188191-C-G.
Other names: c.*18-3280C>G (NM_001354723.2); c.341-3280C>G (NM_198156.3).
Identifiers: ClinVar variation 4785591 (VCV004785591.1).
Genomic context (GRCh38, chr3:10,146,507, plus strand): 5'-TACAGGTGTGGGCCACCGTGCCCAGCCACCGGTGTGGCTCTTTAACAACCTTTGCTTGTC[C>G]CGATAGGTCACCTTTGGCTCTTCAGAGATGCAGGGACACACGATGGGCTTCTGGTTAACC-3'

ClinVar aggregate classification (germline): Uncertain significance (1 of 4 stars; one submission).

Conditions:
Chuvash polycythemia. Also called: POLYCYTHEMIA, VHL-DEPENDENT. Identifiers: Orphanet 238557, MedGen C1837915, MONDO:0009892, OMIM 263400.
Von Hippel-Lindau syndrome (VHLS). Also called: von Hippel–Lindau syndrome; VHL syndrome; Von Hippel-Lindau. Identifiers: Orphanet 892, MedGen C0019562, MONDO:0008667, OMIM 193300. Disease mechanism: loss of function.

gnomAD v4.1: 1 of 1,613,476 alleles (0.000062%); highest among the groups gnomAD compares: East Asian, 0.0022%; no homozygotes.

Submission:

Labcorp Genetics (formerly Invitae), Labcorp
Classification: Uncertain significance for Von Hippel-Lindau syndrome; Chuvash polycythemia. Last evaluated: 2025-07-16. Review status: criteria provided, single submitter. Criteria: Invitae Variant Classification Sherloc (09022015). Collection method: clinical testing. Allele origin: germline.
Comment: This sequence change falls in intron 1 of the VHL gene. It does not directly change the encoded amino acid sequence of the VHL protein. This variant is present in population databases (no rsID available, gnomAD 0.006%). This variant has not been reported in the literature in individuals affected with VHL-related conditions. Algorithms developed to predict the effect of sequence changes on RNA splicing suggest that this variant may disrupt the consensus splice site. In summary, the available evidence is currently insufficient to determine the role of this variant in disease. Therefore, it has been classified as a Variant of Uncertain Significance.